The following is an entry in ClinVar:

NM_002439.5(MSH3):c.3383T>G (p.Met1128Arg)

Gene: MSH3 (mutS homolog 3; plus strand). Cytogenetic location: 5q14.1.
Variant type: single nucleotide variant.
Coding change: c.3383T>G on transcript NM_002439.5 (MANE Select); coding-DNA position 3383, T replaced by G.
Protein change: p.Met1128Arg; replaces methionine 1128 with arginine.
Molecular consequence: missense variant.
Genome position (GRCh38, 1-based): chr5:80,875,831, T>G. VCF-style: chr5-80875831-T-G. GRCh37 (hg19) VCF-style: chr5-80171650-T-G.
Other names: short protein forms M1128R.
Identifiers: ClinVar variation 2451064 (VCV002451064.2), dbSNP rs2478809261, ClinGen allele CA360347448.

ClinVar aggregate classification (germline): Uncertain significance (1 of 4 stars; one submission).

Conditions:
Hereditary cancer-predisposing syndrome. Also called: Neoplastic Syndromes, Hereditary; Tumor predisposition; Hereditary neoplastic syndrome; Hereditary Cancer Syndrome. Identifiers: Orphanet 140162, MedGen C0027672, MeSH D009386, MONDO:0015356.

Submission:

Ambry Genetics
Classification: Uncertain significance for Hereditary cancer-predisposing syndrome. Last evaluated: 2023-01-14. Review status: criteria provided, single submitter. Criteria: Ambry Variant Classification Scheme 2023. Collection method: clinical testing. Allele origin: germline.
Comment: The p.M1128R variant (also known as c.3383T>G), located in coding exon 24 of the MSH3 gene, results from a T to G substitution at nucleotide position 3383. The methionine at codon 1128 is replaced by arginine, an amino acid with similar properties. This amino acid position is conserved. In addition, this alteration is predicted to be tolerated by in silico analysis. Since supporting evidence is limited at this time, the clinical significance of this alteration remains unclear.